The following is an entry in ClinVar:

NM_000257.4(MYH7):c.2467G>A (p.Gly823Arg)

Genes: MYH7 (myosin heavy chain 7; minus strand), LOC126861898 (BRD4-independent group 4 enhancer GRCh37_chr14:23893609-23894808; plus strand). Cytogenetic location: 14q11.2.
Variant type: single nucleotide variant.
Coding change: c.2467G>A on transcript NM_000257.4 (MANE Select); coding-DNA position 2467, G replaced by A.
Protein change: p.Gly823Arg; replaces glycine 823 with arginine.
Molecular consequence: missense variant.
Genome position (GRCh38, 1-based): chr14:23,424,981, C>T on the plus strand (G>A on the coding strand, the complement: MYH7 is on the minus strand). VCF-style: chr14-23424981-C-T. GRCh37 (hg19) VCF-style: chr14-23894190-C-T.
Other names: short protein forms G823R.
Identifiers: ClinVar variation 962162 (VCV000962162.10), dbSNP rs1566531657, ClinGen allele CA389048350.

ClinVar aggregate classification (germline): Uncertain significance (1 of 4 stars; one submission).

Conditions:
Hypertrophic cardiomyopathy. Also called: HYPERTROPHIC MYOCARDIOPATHY. Identifiers: Orphanet 217569, MedGen C0007194, MeSH D002312, MONDO:0005045, HP:0001639.

Submission:

Labcorp Genetics (formerly Invitae), Labcorp
Classification: Uncertain significance for Hypertrophic cardiomyopathy. Last evaluated: 2025-12-01. Review status: criteria provided, single submitter. Criteria: Invitae Variant Classification Sherloc (09022015). Collection method: clinical testing. Allele origin: germline.
Comment: This sequence change replaces glycine, which is neutral and non-polar, with arginine, which is basic and polar, at codon 823 of the MYH7 protein (p.Gly823Arg). This variant is not present in population databases (gnomAD no frequency). This variant has not been reported in the literature in individuals affected with MYH7-related conditions. ClinVar contains an entry for this variant (Variation ID: 962162). Invitae Evidence Modeling of protein sequence and biophysical properties (such as structural, functional, and spatial information, amino acid conservation, physicochemical variation, residue mobility, and thermodynamic stability) indicates that this missense variant is expected to disrupt MYH7 protein function with a positive predictive value of 95%. This variant disrupts the p.Gly823 amino acid residue in MYH7. Other variant(s) that disrupt this residue have been determined to be pathogenic (internal data). This suggests that this residue is clinically significant, and that variants that disrupt this residue are likely to be disease-causing. In summary, the available evidence is currently insufficient to determine the role of this variant in disease. Therefore, it has been classified as a Variant of Uncertain Significance.